The following is an entry in ClinVar:

ClinVar aggregate classification (germline): Uncertain significance (1 of 4 stars; one submission).

Conditions:
Fanconi anemia (FA). Also called: Fanconi's anemia. Identifiers: Orphanet 84, MedGen C0015625, MeSH D005199, MONDO:0019391.

gnomAD v4.1: 6 of 1,614,036 alleles (0.00037%); highest among the groups gnomAD compares: African/African-American, 0.0067%; no homozygotes.

Submission:

Labcorp Genetics (formerly Invitae), Labcorp
Classification: Uncertain significance for Fanconi anemia. Last evaluated: 2024-08-28. Review status: criteria provided, single submitter. Criteria: Invitae Variant Classification Sherloc (09022015). Collection method: clinical testing. Allele origin: germline.
Comment: This sequence change replaces leucine, which is neutral and non-polar, with serine, which is neutral and polar, at codon 352 of the FANCF protein (p.Leu352Ser). This variant is present in population databases (no rsID available, gnomAD 0.007%). This variant has not been reported in the literature in individuals affected with FANCF-related conditions. Invitae Evidence Modeling of protein sequence and biophysical properties (such as structural, functional, and spatial information, amino acid conservation, physicochemical variation, residue mobility, and thermodynamic stability) indicates that this missense variant is not expected to disrupt FANCF protein function with a negative predictive value of 80%. In summary, the available evidence is currently insufficient to determine the role of this variant in disease. Therefore, it has been classified as a Variant of Uncertain Significance.

NM_022725.4(FANCF):c.1055T>C (p.Leu352Ser)

Genes: FANCF (FA complementation group F; minus strand), LOC130005443 (ATAC-STARR-seq lymphoblastoid active region 4533; plus strand). Cytogenetic location: 11p14.3.
Variant type: single nucleotide variant.
Coding change: c.1055T>C on transcript NM_022725.4 (MANE Select); coding-DNA position 1055, T replaced by C.
Protein change: p.Leu352Ser; replaces leucine 352 with serine.
Molecular consequence: missense variant.
Genome position (GRCh38, 1-based): chr11:22,624,756, A>G on the plus strand (T>C on the coding strand, the complement: FANCF is on the minus strand). VCF-style: chr11-22624756-A-G. GRCh37 (hg19) VCF-style: chr11-22646302-A-G.
Other names: short protein forms L352S.
Identifiers: ClinVar variation 3705691 (VCV003705691.2).